The following is an entry in ClinVar:

NM_012448.4(STAT5B):c.2140G>A (p.Ala714Thr)

Gene: STAT5B (signal transducer and activator of transcription 5B; minus strand). Cytogenetic location: 17q21.2.
Variant type: single nucleotide variant.
Coding change: c.2140G>A on transcript NM_012448.4 (MANE Select); coding-DNA position 2140, G replaced by A.
Protein change: p.Ala714Thr; replaces alanine 714 with threonine.
Molecular consequence: missense variant.
Genome position (GRCh38, 1-based): chr17:42,202,437, C>T on the plus strand (G>A on the coding strand, the complement: STAT5B is on the minus strand). VCF-style: chr17-42202437-C-T. GRCh37 (hg19) VCF-style: chr17-40354455-C-T.
Other names: short protein forms A714T.
Identifiers: ClinVar variation 3626581 (VCV003626581.2).

ClinVar aggregate classification (germline): Uncertain significance (1 of 4 stars; one submission).

Conditions:
Growth hormone insensitivity with immune dysregulation 1, autosomal recessive. Also called: GROWTH HORMONE INSENSITIVITY DUE TO POSTRECEPTOR DEFECT; LARON SYNDROME DUE TO POSTRECEPTOR DEFECT; GROWTH HORMONE INSENSITIVITY SYNDROME WITH IMMUNE DYSREGULATION 1, AUTOSOMAL RECESSIVE; Laron syndrome with immunodeficiency. Identifiers: Orphanet 220465, MedGen C5435698, MONDO:0100211, OMIM 245590.

gnomAD v4.1: 17 of 1,614,032 alleles (0.0011%); highest among the groups gnomAD compares: Admixed American, 0.0067%; no homozygotes.

Submission:

Labcorp Genetics (formerly Invitae), Labcorp
Classification: Uncertain significance for Growth hormone insensitivity with immune dysregulation 1, autosomal recessive. Last evaluated: 2025-12-24. Review status: criteria provided, single submitter. Criteria: Invitae Variant Classification Sherloc (09022015). Collection method: clinical testing. Allele origin: germline.
Comment: This sequence change replaces alanine, which is neutral and non-polar, with threonine, which is neutral and polar, at codon 714 of the STAT5B protein (p.Ala714Thr). This variant is present in population databases (rs752593400, gnomAD 0.01%). This variant has not been reported in the literature in individuals affected with STAT5B-related conditions. ClinVar contains an entry for this variant (Variation ID: 3626581). Invitae Evidence Modeling of protein sequence and biophysical properties (such as structural, functional, and spatial information, amino acid conservation, physicochemical variation, residue mobility, and thermodynamic stability) indicates that this missense variant is not expected to disrupt STAT5B protein function with a negative predictive value of 80%. In summary, the available evidence is currently insufficient to determine the role of this variant in disease. Therefore, it has been classified as a Variant of Uncertain Significance.